The following is an entry in ClinVar:

NM_181882.3(PRX):c.3098del (p.Thr1033fs)

Gene: PRX (periaxin; minus strand). Cytogenetic location: 19q13.2.
Variant type: Deletion.
Coding change: c.3098del on transcript NM_181882.3 (MANE Select); coding-DNA position 3098, one base deleted (C; older notation c.3098delC).
Protein change: p.Thr1033fs; shifts the reading frame from threonine 1033.
Molecular consequence: frameshift variant. On other transcripts: 3 prime UTR variant (1).
Genome position (GRCh38, 1-based): chr19:40,395,254, G deleted on the plus strand (C on the coding strand, the reverse complement: PRX is on the minus strand). VCF-style (leftmost placement, unchanged base first): chr19-40395253-AG-A. GRCh37 (hg19) VCF-style: chr19-40901160-AG-A.
Other names: c.*3303del (NM_020956.2); short protein forms T1033fs.
Identifiers: ClinVar variation 1687279 (VCV001687279.7), dbSNP rs2145727241, ClinGen allele CA2573156368.

ClinVar aggregate classification (germline): Pathogenic/Likely pathogenic. Review status: criteria provided, multiple submitters, no conflicts (2 of 4 stars). 3 submissions from 3 submitters: Pathogenic (2); Likely pathogenic (1). Last evaluated 2024-03-29.

Conditions:
Charcot-Marie-Tooth disease type 4. Also called: Charcot-Marie-Tooth disease, type IV; Charcot-Marie-Tooth, Type 4. Identifiers: Orphanet 64749, MedGen C4082197, MONDO:0018995.
Charcot-Marie-Tooth disease type 4F. Also called: Charcot-Marie-Tooth disease, demyelinating, type 4F. Identifiers: Orphanet 99952, MedGen C3540453, MONDO:0013959, OMIM 614895.

Allele frequency attached by ClinVar (database versions not stated): gnomAD exomes below 0.00001.

Submissions (3):

Genomic Medicine Center of Excellence, King Faisal Specialist Hospital and Research Centre
Classification: Pathogenic for Charcot-Marie-Tooth disease type 4F. Last evaluated: 2024-03-29. Review status: criteria provided, single submitter. Criteria: ACMG Guidelines, 2015. Collection method: clinical testing. Allele origin: germline.

3billion
Classification: Likely pathogenic for Charcot-Marie-Tooth disease type 4F. Last evaluated: 2022-05-22. Review status: criteria provided, single submitter. Criteria: ACMG Guidelines, 2015. Collection method: clinical testing. Allele origin: germline. Affected: yes. Observed: 1 homozygote.
Comment: The variant is not observed in the gnomAD v2.1.1 dataset. Frameshift: predicted to result in a loss or disruption of normal protein function through protein truncation. The predicted truncated protein may be shortened by more than 10%. Therefore, this variant is classified as likely pathogenic according to the recommendation of ACMG/AMP guideline.

Labcorp Genetics (formerly Invitae), Labcorp
Classification: Pathogenic for Charcot-Marie-Tooth disease type 4. Last evaluated: 2022-01-23. Review status: criteria provided, single submitter. Criteria: Invitae Variant Classification Sherloc (09022015). Collection method: clinical testing. Allele origin: germline.
Comment: For these reasons, this variant has been classified as Pathogenic. This variant disrupts a region of the PRX protein in which other variant(s) (p.Arg1070*) have been determined to be pathogenic (PMID: 15197604, 16770524, 22847150, 26059842). This suggests that this is a clinically significant region of the protein, and that variants that disrupt it are likely to be disease-causing. This variant has not been reported in the literature in individuals affected with PRX-related conditions. This variant is not present in population databases (gnomAD no frequency). This sequence change creates a premature translational stop signal (p.Thr1033Metfs*6) in the PRX gene. While this is not anticipated to result in nonsense mediated decay, it is expected to disrupt the last 429 amino acid(s) of the PRX protein.

Literature cited by the submitters: PubMed 15197604 (cited by Labcorp Genetics (formerly Invitae), Labcorp); PubMed 16770524 (cited by Labcorp Genetics (formerly Invitae), Labcorp); PubMed 22847150 (cited by Labcorp Genetics (formerly Invitae), Labcorp); PubMed 26059842 (cited by Labcorp Genetics (formerly Invitae), Labcorp).